The following is an entry in ClinVar:

ClinVar aggregate classification (germline): Conflicting classifications of pathogenicity. Review status: criteria provided, conflicting classifications (1 of 4 stars). 7 submissions from 7 submitters: Uncertain significance (1); Benign (1); Likely benign (5). Last evaluated 2026-04-01.

Conditions:
Epidermolysis bullosa simplex, Ogna type (EBS5A). Also called: Pidermolysis bullosa simplex 5A, Ogna type; EPIDERMOLYSIS BULLOSA SIMPLEX 5A, OGNA TYPE. Identifiers: Orphanet 79401, MedGen C0432317, MONDO:0007555, OMIM 131950.
Epidermolysis bullosa simplex 5C, with pyloric atresia (EBS5C). Also called: PLEC-Related Epidermolysis Bullosa with Pyloric Atresia; Epidermolysis bullosa simplex with pyloric atresia; PLEC1-Related Epidermolysis Bullosa with Pyloric Atresia. Identifiers: Orphanet 158684, MedGen C2677349, MONDO:0012807, OMIM 612138.
Autosomal recessive limb-girdle muscular dystrophy type 2Q (LGMDR17). Also called: MUSCULAR DYSTROPHY, LIMB-GIRDLE, AUTOSOMAL RECESSIVE 17. Identifiers: Orphanet 254361, MedGen C3150989, MONDO:0013390, OMIM 613723.
Epidermolysis bullosa simplex with nail dystrophy (EBS5D). Identifiers: MedGen C4225309, MONDO:0014661, OMIM 616487.
Epidermolysis bullosa simplex 5B, with muscular dystrophy (EBS5B). Also called: EPIDERMOLYSIS BULLOSA SIMPLEX AND LIMB-GIRDLE MUSCULAR DYSTROPHY; Epidermolysis bullosa simplex with muscular dystrophy. Identifiers: Orphanet 257, MedGen C2931072, MONDO:0009181, OMIM 226670.

Allele frequency attached by ClinVar (database versions not stated): 1000 Genomes Project 30x 0.00031; 1000 Genomes Project 0.00060; gnomAD exomes 0.00124; TOPMed 0.00141; ExAC 0.00151; gnomAD 0.00157 and 0.00159; ESP Exome Variant Server 0.00181.
gnomAD v4.1: 3,315 of 1,599,848 alleles (0.21%); highest among the groups gnomAD compares: Non-Finnish European, 0.25%; 5 homozygotes.

Submissions (7):

CeGaT Center for Human Genetics Tuebingen
Classification: Likely benign. Last evaluated: 2026-04-01. Review status: criteria provided, single submitter. Criteria: CeGaT Center For Human Genetics Tuebingen Variant Classification Criteria Version 2. Collection method: clinical testing. Allele origin: germline. Affected: yes. Observed: 3 variant alleles.
Comment: PLEC: BP4

Labcorp Genetics (formerly Invitae), Labcorp
Classification: Benign for Autosomal recessive limb-girdle muscular dystrophy type 2Q; Epidermolysis bullosa simplex, Ogna type; Epidermolysis bullosa simplex with nail dystrophy; Epidermolysis bullosa simplex 5C, with pyloric atresia; Epidermolysis bullosa simplex 5B, with muscular dystrophy. Last evaluated: 2026-02-01. Review status: criteria provided, single submitter. Criteria: Invitae Variant Classification Sherloc (09022015). Collection method: clinical testing. Allele origin: germline.

Mayo Clinic Laboratories, Mayo Clinic
Classification: Likely benign. Last evaluated: 2025-05-12. Review status: criteria provided, single submitter. Criteria: ACMG Guidelines, 2015. Collection method: clinical testing. Allele origin: germline. Observed: 5 variant alleles.
Comment: BS1, BP4, BP7

Blueprint Genetics
Classification: Likely benign. Last evaluated: 2024-10-31. Review status: criteria provided, single submitter. Criteria: ACMG Guidelines, 2015. Collection method: clinical testing. Allele origin: germline.

GeneDx
Classification: Likely benign. Last evaluated: 2019-06-28. Review status: criteria provided, single submitter. Criteria: GeneDx Variant Classification Process June 2021. Collection method: clinical testing. Allele origin: germline. Affected: yes.

Athena Diagnostics
Classification: Likely benign. Last evaluated: 2018-05-16. Review status: criteria provided, single submitter. Criteria: Athena Diagnostics Criteria. Collection method: clinical testing. Allele origin: germline.

Eurofins Ntd Llc (ga)
Classification: Uncertain significance. Last evaluated: 2015-06-29. Review status: criteria provided, single submitter. Criteria: EGL Classification Definitions 2015. Collection method: clinical testing. Allele origin: germline. Observed: 8 variant alleles, 8 heterozygotes.

NM_201384.3(PLEC):c.2458-8C>T

Gene: PLEC (plectin; minus strand). Cytogenetic location: 8q24.3.
Variant type: single nucleotide variant.
Coding change: c.2458-8C>T on transcript NM_201384.3 (MANE Select); 8 bases into the intron before coding-DNA position 2458, C replaced by T.
Molecular consequence: intron variant.
Genome position (GRCh38, 1-based): chr8:143,930,306, G>A on the plus strand (C>T on the coding strand, the complement: PLEC is on the minus strand). VCF-style: chr8-143930306-G-A. GRCh37 (hg19) VCF-style: chr8-145004474-G-A.
Other names: p.?; c.2539-8C>T (NM_000445.5); c.2416-8C>T (NM_201378.4); c.2392-8C>T (NM_201379.3); c.2869-8C>T (NM_201380.4); c.2362-8C>T (NM_201381.3); c.2458-8C>T (NM_201382.4); c.2470-8C>T (NM_201383.3).
Identifiers: ClinVar variation 195654 (VCV000195654.71), dbSNP rs201818691, ClinGen allele CA242158.